The following is an entry in ClinVar:

NM_000350.3(ABCA4):c.6229C>T (p.Arg2077Trp)

Gene: ABCA4 (ATP binding cassette subfamily A member 4; minus strand). Cytogenetic location: 1p22.1.
Variant type: single nucleotide variant.
Coding change: c.6229C>T on transcript NM_000350.3 (MANE Select); coding-DNA position 6229, C replaced by T.
Protein change: p.Arg2077Trp; replaces arginine 2077 with tryptophan.
Molecular consequence: missense variant.
Genome position (GRCh38, 1-based): chr1:94,001,911, G>A on the plus strand (C>T on the coding strand, the complement: ABCA4 is on the minus strand). VCF-style: chr1-94001911-G-A. GRCh37 (hg19) VCF-style: chr1-94467467-G-A.
Other names: NM_000350.3(ABCA4):c.6229C>T; c.6007C>T, p.Arg2003Trp (NM_001425324.1); short protein forms R2077W, R2003W.
Identifiers: ClinVar variation 99438 (VCV000099438.69), dbSNP rs61750645, ClinGen allele CA227380.

ClinVar aggregate classification (germline): Pathogenic. Review status: reviewed by expert panel (3 of 4 stars). 16 submissions from 16 submitters: Pathogenic (1). 15 of the submissions do not count toward it. Last evaluated 2026-06-23.

Conditions:
ABCA4-related retinopathy. Also called: ABCA4-related retinoapthy; ABCA4 retinoapthy. Identifiers: MedGen CN322612, MONDO:0800406.
ABCA4-related disorder. Also called: ABCA4-related condition; ABCA4-related disorders. Identifiers: MedGen CN239167.
Severe early-childhood-onset retinal dystrophy (STGD1). Also called: MACULAR DYSTROPHY WITH FLECKS, TYPE 1; STGD; Stargardt macular dystrophy; Juvenile onset macular degeneration; Stargardt disease 1. Identifiers: Orphanet 364055, Orphanet 827, MedGen C1855465, MeSH D000080362, MONDO:0009549, OMIM 248200.
Cone-rod dystrophy 3 (CORD3). Identifiers: Orphanet 1872, MedGen C1858806, MONDO:0011395, OMIM 604116.
Retinitis pigmentosa 19 (RP19). Also called: ABCA4-Related Retinitis Pigmentosa. Identifiers: Orphanet 791, MedGen C1866422, MONDO:0011137, OMIM 601718.
Retinal dystrophy. Also called: Inherited retinal dystrophy. Identifiers: Orphanet 71862, MedGen C0854723, MeSH D058499, MONDO:0019118, HP:0000556.
Age related macular degeneration 2. Also called: MACULAR DEGENERATION, SENILE; MACULOPATHY, AGE-RELATED, 2; MACULOPATHY, AGE-RELATED. Identifiers: MedGen C3495438, MONDO:0007932, OMIM 153800.
Stargardt disease (FFM). Also called: Fundus flavimaculatus; Stargardt's disease. Identifiers: Orphanet 827, MedGen C0271093, MONDO:0019353.

Allele frequency attached by ClinVar (database versions not stated): TOPMed 0.00002.
gnomAD v4.1: 14 of 1,614,088 alleles (0.00087%); highest among the groups gnomAD compares: Non-Finnish European, 0.0011%; no homozygotes.

Submissions 1 to 10 of 16:

ClinGen ABCA4 Variant Curation Expert Panel, Clingen
Classification: Pathogenic for ABCA4-related retinopathy. Last evaluated: 2026-06-23. Review status: reviewed by expert panel. Criteria: ClinGen ABCA4 ACMG Specifications V1.0.0. Collection method: curation. Allele origin: germline. Inheritance: Autosomal recessive inheritance.
Comment: The NM_000350.3:c.6229C>T variant in ABCA4 is a missense variant predicted to cause substitution of arginine by tryptophan at amino acid 2077 (p.Arg2077Trp). The total minor allele frequency in gnomAD v4.1.0 is 0.00000867 (14/1614088 alleles), which is lower than the ClinGen ABCA4 VCEP’s threshold for PM2_Supporting (<0.0001). The computational predictor REVEL gives a score of 0.948 which is above the threshold of >0.772, evidence that predicts a damaging effect on ABCA4 function (PP3_Moderate). The prevalence of the variant in affected individuals is significantly increased compared with the prevalence in controls with an OR of 414.4 and CI of 70.28 to 15036.47, which is above the ABCA4 VCEP threshold of ≥5, where the CI does not contain 1 (PS4; PMID: 35120629). ATPase activity in HEK293 cells showed drastically reduced basal ATPase activity with little or no substrate stimulation (PS3_Supporting; PMID: 29847635). Additionally, Western blot analysis of retinal organoids from iPSCs expressing homozygous R2077W variant showed 90% reduction of ABCA4 protein steady-state levels compared to WT organoids, indicative of negative impact to protein function (PMID: 40693713; PS3_Supporting). This variant has been detected in at least two individuals with ABCA4-related retinopathy who were compound heterozygous for the variant and a pathogenic variant and one of those was confirmed in trans by parental testing (PM3; PMIDs: 1921790, 340643605). In summary, this variant meets the criteria to be classified as pathogenic for ABCA4-related retinopathy based on the ACMG/AMP criteria applied, as specified by the ClinGen ABCA4 VCEP (Specification Version 1): PS4, PM3, PP3_Moderate, PS3_Supporting, PM2_Supporting.

Dasa
Classification: Pathogenic. Last evaluated: 2025-08-22. Review status: criteria provided, single submitter. Criteria: DASA Assertion Criteria. Collection method: clinical testing. Allele origin: germline. Not counted in ClinVar's aggregate classification.
Comment: NM_000350.3(ABCA4):c.6229C>T (p.Arg2077Trp) is a missense variant that results in the substitution of arginine with tryptophan. The affected residue or protein region has prior evidence supporting clinical relevance. This variant has been observed in affected individuals with related phenotype in a genotype context consistent with recessive disease (PMID: 29847635; PMID: 30563929; PMID: 24713488; PMID: 18285826; PMID: 28559085). Functional evidence supports a deleterious effect on the gene or gene product (PMID: 29847635; PMID: 30563929; PMID: 24713488; PMID: 18285826; PMID: 28559085). This variant has been recurrently observed in individuals with related phenotype (PMID: 29847635; PMID: 30563929; PMID: 24713488; PMID: 18285826; PMID: 28559085). Multiple computational predictions support a deleterious effect on the gene or gene product. The variant is present at low frequency in population datasets. Based on the available data, this variant is classified as pathogenic.

Labcorp Genetics (formerly Invitae), Labcorp
Classification: Pathogenic. Last evaluated: 2025-04-11. Review status: criteria provided, single submitter. Criteria: Invitae Variant Classification Sherloc (09022015). Collection method: clinical testing. Allele origin: germline. Not counted in ClinVar's aggregate classification.
Comment: This sequence change replaces arginine, which is basic and polar, with tryptophan, which is neutral and slightly polar, at codon 2077 of the ABCA4 protein (p.Arg2077Trp). This variant is present in population databases (rs61750645, gnomAD 0.0009%). This missense change has been observed in individual(s) with Stargardt disease (PMID: 28559085). In at least one individual the data is consistent with being in trans (on the opposite chromosome) from a pathogenic variant. It has also been observed to segregate with disease in related individuals. ClinVar contains an entry for this variant (Variation ID: 99438). Invitae Evidence Modeling of protein sequence and biophysical properties (such as structural, functional, and spatial information, amino acid conservation, physicochemical variation, residue mobility, and thermodynamic stability) indicates that this missense variant is expected to disrupt ABCA4 protein function with a positive predictive value of 95%. Experimental studies have shown that this missense change affects ABCA4 function (PMID: 29847635). For these reasons, this variant has been classified as Pathogenic.

Women's Health and Genetics/Laboratory Corporation of America, LabCorp
Classification: Pathogenic for Stargardt disease. Last evaluated: 2024-10-16. Review status: criteria provided, single submitter. Criteria: LabCorp Variant Classification Summary - May 2015. Collection method: clinical testing. Allele origin: germline. Not counted in ClinVar's aggregate classification.
Comment: Variant summary: ABCA4 c.6229C>T (p.Arg2077Trp) results in a non-conservative amino acid change located in the ABC transporter-like, ATP-binding domain (IPR003439) of the encoded protein sequence. Five of five in-silico tools predict a damaging effect of the variant on protein function. The variant allele was found at a frequency of 4e-06 in 251436 control chromosomes. c.6229C>T has been reported in the literature in individuals affected with Stargardt Disease and related conditions (Bertelsen_2014, Graces_2018, Stone_2017). Additionally other missense variants (e.g. Arg2077Gly, Arg2077Gln) at the same codon have been classified on the pathogenic spectrum in ClinVar. At least one publication reports experimental evidence evaluating an impact on protein function. This study shows that the variant results in reduced basal activity and diminished substrate binding (Graces_2018). The following publications have been ascertained in the context of this evaluation (PMID: 24713488, 29847635, 28559085). ClinVar contains an entry for this variant (Variation ID: 99438). Based on the evidence outlined above, the variant was classified as pathogenic.

Blueprint Genetics
Classification: Pathogenic for ABCA4-related disorders. Last evaluated: 2024-03-11. Review status: criteria provided, single submitter. Criteria: ACMG Guidelines, 2015. Collection method: clinical testing. Allele origin: germline. Affected: yes. Observed: 5 variant alleles. Not counted in ClinVar's aggregate classification.

Department of Pathology and Laboratory Medicine, Sinai Health System
Classification: Likely pathogenic for Cone-rod dystrophy 3; Severe early-childhood-onset retinal dystrophy; Retinitis pigmentosa 19. Last evaluated: 2023-09-13. Review status: criteria provided, single submitter. Criteria: ACMG Guidelines, 2015. Collection method: research. Allele origin: germline. Not counted in ClinVar's aggregate classification.

Institute of Human Genetics, Univ. Regensburg, Univ. Regensburg
Classification: Pathogenic for Retinal dystrophy. Last evaluated: 2023-01-01. Review status: criteria provided, single submitter. Criteria: ACMG Guidelines, 2015. Collection method: clinical testing. Allele origin: germline. Affected: yes. Not counted in ClinVar's aggregate classification.

CeGaT Center for Human Genetics Tuebingen
Classification: Pathogenic. Last evaluated: 2022-10-01. Review status: criteria provided, single submitter. Criteria: CeGaT Center For Human Genetics Tuebingen Variant Classification Criteria Version 2. Collection method: clinical testing. Allele origin: germline. Affected: yes. Observed: 6 variant alleles. Not counted in ClinVar's aggregate classification.
Comment: ABCA4: PM3:Very Strong, PM2, PP3

GeneDx
Classification: Pathogenic. Last evaluated: 2022-03-10. Review status: criteria provided, single submitter. Criteria: GeneDx Variant Classification Process June 2021. Collection method: clinical testing. Allele origin: germline. Affected: yes. Not counted in ClinVar's aggregate classification.
Comment: Not observed at significant frequency in large population cohorts (gnomAD); In silico analysis, which includes protein predictors and evolutionary conservation, supports a deleterious effect; This variant is associated with the following publications: (PMID: 29555955, 19217903, 28041643, 29847635, 9054934, 9973280, 10958763, 18285826, 24713488, 28559085, 29925512, 20647261, 32581362, 32619608)

Institute of Medical Genetics and Applied Genomics, University Hospital Tübingen
Classification: Pathogenic. Last evaluated: 2020-10-23. Review status: criteria provided, single submitter. Criteria: ACMG Guidelines, 2015. Collection method: clinical testing. Allele origin: germline. Inheritance: Unknown mechanism. Affected: yes. Not counted in ClinVar's aggregate classification.